The following is an entry in ClinVar:

ClinVar aggregate classification (germline): Uncertain significance (1 of 4 stars; one submission).

Conditions:
Myopathy, proximal, and ophthalmoplegia (CMYO6). Also called: MYOPATHY WITH CONGENITAL JOINT CONTRACTURES, OPHTHALMOPLEGIA, AND RIMMED VACUOLES; INCLUSION BODY MYOPATHY 3, AUTOSOMAL DOMINANT; CONGENITAL MYOPATHY 6 WITH OPHTHALMOPLEGIA. Identifiers: Orphanet 363677, Orphanet 79091, MedGen C1854106, MONDO:0011577, OMIM 605637.

Allele frequency attached by ClinVar (database versions not stated): gnomAD exomes below 0.00001; ExAC 0.00001.
gnomAD v4.1: 2 of 1,614,196 alleles (0.00012%); highest among the groups gnomAD compares: Admixed American, 0.0017%; no homozygotes.

Submission:

Labcorp Genetics (formerly Invitae), Labcorp
Classification: Uncertain significance for Myopathy, proximal, and ophthalmoplegia. Last evaluated: 2022-06-20. Review status: criteria provided, single submitter. Criteria: Invitae Variant Classification Sherloc (09022015). Collection method: clinical testing. Allele origin: germline.
Comment: This variant is present in population databases (rs750604697, gnomAD 0.003%). This sequence change replaces asparagine, which is neutral and polar, with serine, which is neutral and polar, at codon 667 of the MYH2 protein (p.Asn667Ser). Algorithms developed to predict the effect of missense changes on protein structure and function are either unavailable or do not agree on the potential impact of this missense change (SIFT: "Deleterious"; PolyPhen-2: "Benign"; Align-GVGD: "Class C45"). In summary, the available evidence is currently insufficient to determine the role of this variant in disease. Therefore, it has been classified as a Variant of Uncertain Significance. ClinVar contains an entry for this variant (Variation ID: 534344). This variant has not been reported in the literature in individuals affected with MYH2-related conditions.

NM_017534.6(MYH2):c.2000A>G (p.Asn667Ser)

Genes: MYHAS (myosin heavy chain gene cluster antisense RNA; plus strand), MYH2 (myosin heavy chain 2; minus strand). Cytogenetic location: 17p13.1.
Variant type: single nucleotide variant.
Coding change: c.2000A>G on transcript NM_017534.6 (MANE Select); coding-DNA position 2000, A replaced by G.
Protein change: p.Asn667Ser; replaces asparagine 667 with serine.
Molecular consequence: missense variant.
Genome position (GRCh38, 1-based): chr17:10,535,340, T>C on the plus strand (A>G on the coding strand, the complement: MYH2 is on the minus strand). VCF-style: chr17-10535340-T-C. GRCh37 (hg19) VCF-style: chr17-10438657-T-C.
Other names: c.2000A>G, p.Asn667Ser (NM_001100112.2); short protein forms N667S.
Identifiers: ClinVar variation 534344 (VCV000534344.6), dbSNP rs750604697, ClinGen allele CA8391237.